The following is an entry in ClinVar:

NM_000089.4(COL1A2):c.875G>C (p.Gly292Ala)

Gene: COL1A2 (collagen type I alpha 2 chain; plus strand). Cytogenetic location: 7q21.3.
Variant type: single nucleotide variant.
Coding change: c.875G>C on transcript NM_000089.4 (MANE Select); coding-DNA position 875, G replaced by C.
Protein change: p.Gly292Ala; replaces glycine 292 with alanine.
Molecular consequence: missense variant.
Genome position (GRCh38, 1-based): chr7:94,409,404, G>C. VCF-style: chr7-94409404-G-C. GRCh37 (hg19) VCF-style: chr7-94038716-G-C.
Other names: short protein forms G292A.
Identifiers: ClinVar variation 4291862 (VCV004291862.1).

ClinVar aggregate classification (germline): Likely pathogenic (1 of 4 stars; one submission).

Conditions:
COL1A2-related disorder. Also called: COL1A2-related condition; COL1A2-Related Disorders.

Submission:

3billion
Classification: Likely pathogenic for COL1A2-related disorder. Last evaluated: 2024-06-07. Review status: criteria provided, single submitter. Criteria: ACMG Guidelines, 2015. Collection method: clinical testing. Allele origin: germline. Affected: yes.
Comment: The variant is not observed in the gnomAD v4.0.0 dataset. Predicted Consequence/Location: Missense changes are a common disease-causing mechanism. In silico tool predictions suggest damaging effect of the variant on gene or gene product [REVEL: 0.96 (>=0.6, sensitivity 0.68 and specificity 0.92); 3Cnet: 1.00 (>=0.6, sensitivity 0.72 and precision 0.9)]. Different missense changes at the same codon (p.Gly292Arg, p.Gly292Asp, p.Gly292Cys, p.Gly292Ser, p.Gly292Val) have been reported as pathogenic/likely pathogenic with strong evidence (ClinVar ID: VCV000425663, VCV000430639, VCV000451413, VCV000691334, VCV001683639 /PMID: 24296239, 26177859, 37270749). Therefore, this variant is classified as Likely pathogenic according to the recommendation of ACMG/AMP guideline.

Literature cited by the submitters: PubMed 24296239.